The following is an entry in ClinVar:

ClinVar aggregate classification (germline): Conflicting classifications of pathogenicity. Review status: criteria provided, conflicting classifications (1 of 4 stars). 2 submissions from 2 submitters: Uncertain significance (1); Likely benign (1). Last evaluated 2022-08-19.

Conditions:
Candidiasis, familial, 8 (CANDF8). Identifiers: Orphanet 1334, MedGen C3714992, MONDO:0014230, OMIM 615527.

Allele frequency attached by ClinVar (database versions not stated): TOPMed 0.00001.
gnomAD v4.1: 5 of 1,614,212 alleles (0.00031%); highest among the groups gnomAD compares: South Asian, 0.0011%; no homozygotes.

Submissions (2):

Labcorp Genetics (formerly Invitae), Labcorp
Classification: Uncertain significance for Candidiasis, familial, 8. Last evaluated: 2022-08-19. Review status: criteria provided, single submitter. Criteria: Invitae Variant Classification Sherloc (09022015). Collection method: clinical testing. Allele origin: germline.
Comment: This sequence change replaces glycine, which is neutral and non-polar, with serine, which is neutral and polar, at codon 173 of the TRAF3IP2 protein (p.Gly173Ser). This variant is present in population databases (rs750659136, gnomAD 0.003%). This variant has not been reported in the literature in individuals affected with TRAF3IP2-related conditions. ClinVar contains an entry for this variant (Variation ID: 1013996). Algorithms developed to predict the effect of missense changes on protein structure and function output the following: SIFT: "Tolerated"; PolyPhen-2: "Benign"; Align-GVGD: "Class C0". The serine amino acid residue is found in multiple mammalian species, which suggests that this missense change does not adversely affect protein function. In summary, the available evidence is currently insufficient to determine the role of this variant in disease. Therefore, it has been classified as a Variant of Uncertain Significance.

Blueprint Genetics
Classification: Likely benign. Last evaluated: 2022-07-14. Review status: criteria provided, single submitter. Criteria: ACMG Guidelines, 2015. Collection method: clinical testing. Allele origin: germline.

NM_147686.4(TRAF3IP2):c.517G>A (p.Gly173Ser)

Genes: TRAF3IP2 (TRAF3 interacting protein 2; minus strand), TRAF3IP2-AS1 (TRAF3IP2 antisense RNA 1; plus strand), LOC114803478 (TRAF3IP2 eExon liver enhancer; plus strand). Cytogenetic location: 6q21.
Variant type: single nucleotide variant.
Coding change: c.517G>A on transcript NM_147686.4 (MANE Select); coding-DNA position 517, G replaced by A.
Protein change: p.Gly173Ser; replaces glycine 173 with serine.
Molecular consequence: missense variant.
Genome position (GRCh38, 1-based): chr6:111,591,570, C>T on the plus strand (G>A on the coding strand, the complement: TRAF3IP2 is on the minus strand). VCF-style: chr6-111591570-C-T. GRCh37 (hg19) VCF-style: chr6-111912773-C-T.
Other names: c.517G>A, p.Gly173Ser (NM_001164281.3); c.544G>A, p.Gly182Ser (NM_147200.3); short protein forms G173S, G182S.
Identifiers: ClinVar variation 1013996 (VCV001013996.5), dbSNP rs750659136, ClinGen allele CA3963310.